The following is an entry in ClinVar:

NM_203395.3(IYD):c.687+1275G>A

Gene: IYD (iodotyrosine deiodinase; plus strand). Cytogenetic location: 6q25.1.
Variant type: single nucleotide variant.
Coding change: c.687+1275G>A on transcript NM_203395.3 (MANE Select); 1275 bases into the intron after coding-DNA position 687, G replaced by A.
Molecular consequence: intron variant. On other transcripts: missense variant (1), non-coding transcript variant (1).
Genome position (GRCh38, 1-based): chr6:150,395,530, G>A. VCF-style: chr6-150395530-G-A. GRCh37 (hg19) VCF-style: chr6-150716666-G-A.
Other names: c.763G>A, p.Glu255Lys (NM_001164694.2); c.*4+76G>A (NM_001164695.2); c.441+1275G>A (NM_001318495.2); short protein forms E255K.
Identifiers: ClinVar variation 3054595 (VCV003054595.3), dbSNP rs370025417, ClinGen allele CA4047108.

ClinVar aggregate classification (germline): Likely benign. Review status: criteria provided, single submitter (1 of 4 stars). 2 submissions from 2 submitters: Likely benign (1). 1 of the submissions does not count toward it.

Conditions:
IYD-related disorder. Also called: IYD-related condition.

Allele frequency attached by ClinVar (database versions not stated): TOPMed 0.00043; 1000 Genomes Project 30x 0.00062; ESP Exome Variant Server 0.00066; gnomAD 0.00035; ExAC 0.00041; 1000 Genomes Project 0.00100.
gnomAD v4.1: 107 of 1,537,318 alleles (0.007%); highest among the groups gnomAD compares: African/African-American, 0.13%; no homozygotes.

Submissions (2):

Breakthrough Genomics
Classification: Likely benign. Review status: criteria provided, single submitter. Criteria: ACMG Guidelines, 2015. Collection method: not provided. Allele origin: germline. Inheritance: Autosomal recessive inheritance. Affected: yes.

PreventionGenetics, part of Exact Sciences
Classification: Likely benign for IYD-related condition. Last evaluated: 2023-07-05. Review status: no assertion criteria provided. Collection method: clinical testing. Allele origin: germline. Not counted in ClinVar's aggregate classification.
Comment: This variant is classified as likely benign based on ACMG/AMP sequence variant interpretation guidelines (Richards et al. 2015 PMID: 25741868, with internal and published modifications).